The following is an entry in ClinVar:

ClinVar aggregate classification (germline): Uncertain significance (1 of 4 stars; one submission).

Conditions:
2-aminoadipic 2-oxoadipic aciduria (AAKAD). Also called: Aminoadipic aciduria; ALPHA-AMINOADIPIC AND ALPHA-KETOADIPIC ACIDURIA. Identifiers: Orphanet 79154, MedGen C1859817, MONDO:0008774, OMIM 204750.

Submission:

Labcorp Genetics (formerly Invitae), Labcorp
Classification: Uncertain significance for 2-aminoadipic 2-oxoadipic aciduria. Last evaluated: 2025-01-20. Review status: criteria provided, single submitter. Criteria: Invitae Variant Classification Sherloc (09022015). Collection method: clinical testing. Allele origin: germline.
Comment: This sequence change replaces glycine, which is neutral and non-polar, with arginine, which is basic and polar, at codon 726 of the DHTKD1 protein (p.Gly726Arg). This variant is not present in population databases (gnomAD no frequency). This variant has not been reported in the literature in individuals affected with DHTKD1-related conditions. An algorithm developed to predict the effect of missense changes on protein structure and function (PolyPhen-2) suggests that this variant is likely to be tolerated. In summary, the available evidence is currently insufficient to determine the role of this variant in disease. Therefore, it has been classified as a Variant of Uncertain Significance.

NM_018706.7(DHTKD1):c.2176G>A (p.Gly726Arg)

Gene: DHTKD1 (dehydrogenase E1 and transketolase domain containing 1; plus strand). Cytogenetic location: 10p14.
Variant type: single nucleotide variant.
Coding change: c.2176G>A on transcript NM_018706.7 (MANE Select); coding-DNA position 2176, G replaced by A.
Protein change: p.Gly726Arg; replaces glycine 726 with arginine.
Molecular consequence: missense variant.
Genome position (GRCh38, 1-based): chr10:12,112,921, G>A. VCF-style: chr10-12112921-G-A. GRCh37 (hg19) VCF-style: chr10-12154920-G-A.
Other names: short protein forms G726R.
Identifiers: ClinVar variation 3687193 (VCV003687193.2).
Genomic context (GRCh38, chr10:12,112,921, plus strand): 5'-TCTGAACATTCTTCTCCTTTCTTGCCACTTCTCTCCCAGATGTGTGACAGTGCGGAAGAG[G>A]GGGTGGACGGAGACACTGTGAACATGTTTGTGGTTCACCCAACAACTCCTGCACAGTATT-3'
Protein context (NP_061176.4, residues 716-736): FLQMCDSAEE[Gly726Arg]VDGDTVNMFV